The following is an entry in ClinVar:

NM_005219.5(DIAPH1):c.3410A>T (p.Asp1137Val)

Gene: DIAPH1 (diaphanous related formin 1; minus strand). Cytogenetic location: 5q31.3.
Variant type: single nucleotide variant.
Coding change: c.3410A>T on transcript NM_005219.5 (MANE Select); coding-DNA position 3410, A replaced by T.
Protein change: p.Asp1137Val; replaces aspartic acid 1137 with valine.
Molecular consequence: missense variant.
Genome position (GRCh38, 1-based): chr5:141,526,325, T>A on the plus strand (A>T on the coding strand, the complement: DIAPH1 is on the minus strand). VCF-style: chr5-141526325-T-A. GRCh37 (hg19) VCF-style: chr5-140905892-T-A.
Other names: c.3383A>T, p.Asp1128Val (NM_001079812.3); c.3410A>T, p.Asp1137Val (NM_001314007.2); short protein forms D1128V, D1137V.
Identifiers: ClinVar variation 1325953 (VCV001325953.2), dbSNP rs2154594955, ClinGen allele CA361578281.

ClinVar aggregate classification (germline): Uncertain significance (1 of 4 stars; one submission).

Submission:

GeneDx
Classification: Uncertain significance. Last evaluated: 2021-05-17. Review status: criteria provided, single submitter. Criteria: GeneDx Variant Classification Process June 2021. Collection method: clinical testing. Allele origin: germline. Affected: yes.
Comment: Not observed in large population cohorts (Lek et al., 2016); In silico analysis supports that this missense variant has a deleterious effect on protein structure/function; Has not been previously published as pathogenic or benign to our knowledge